The following is an entry in ClinVar:

ClinVar aggregate classification (germline): Uncertain significance (1 of 4 stars; one submission).

gnomAD v4.1: 6 of 1,613,290 alleles (0.00037%); highest among the groups gnomAD compares: Admixed American, 0.01%; no homozygotes.

Submission:

GeneDx
Classification: Uncertain significance. Last evaluated: 2023-07-03. Review status: criteria provided, single submitter. Criteria: GeneDx Variant Classification Process June 2021. Collection method: clinical testing. Allele origin: germline. Affected: yes.
Comment: In silico analysis supports that this missense variant has a deleterious effect on protein structure/function; Has not been previously published as pathogenic or benign to our knowledge

NM_001253852.3(AP4B1):c.319C>G (p.Arg107Gly)

Gene: AP4B1 (adaptor related protein complex 4 subunit beta 1; minus strand). Cytogenetic location: 1p13.2.
Variant type: single nucleotide variant.
Coding change: c.319C>G on transcript NM_001253852.3 (MANE Select); coding-DNA position 319, C replaced by G.
Protein change: p.Arg107Gly; replaces arginine 107 with glycine.
Molecular consequence: missense variant. On other transcripts: intron variant (1).
Genome position (GRCh38, 1-based): chr1:113,902,657, G>C on the plus strand (C>G on the coding strand, the complement: AP4B1 is on the minus strand). VCF-style: chr1-113902657-G-C. GRCh37 (hg19) VCF-style: chr1-114445279-G-C.
Other names: c.22C>G, p.Arg8Gly (NM_001253853.3); c.319C>G, p.Arg107Gly (NM_006594.5); c.113+1948C>G (NM_001308312.2); short protein forms R107G, R8G.
Identifiers: ClinVar variation 1310614 (VCV001310614.3), dbSNP rs74361335, ClinGen allele CA1016139.